The following is an entry in ClinVar:

ClinVar aggregate classification (germline): Uncertain significance (1 of 4 stars; one submission).

Conditions:
LAMA2-related muscular dystrophy (LAMA2-RD). Also called: Laminin alpha 2-related dystrophy. Identifiers: MedGen C5679788, MONDO:0100228.

gnomAD v4.1: 2 of 1,613,974 alleles (0.00012%); highest among the groups gnomAD compares: East Asian, 0.0022%; no homozygotes.

Submission:

Labcorp Genetics (formerly Invitae), Labcorp
Classification: Uncertain significance for LAMA2-related muscular dystrophy. Last evaluated: 2022-04-07. Review status: criteria provided, single submitter. Criteria: Invitae Variant Classification Sherloc (09022015). Collection method: clinical testing. Allele origin: germline.
Comment: In summary, the available evidence is currently insufficient to determine the role of this variant in disease. Therefore, it has been classified as a Variant of Uncertain Significance. Advanced modeling of protein sequence and biophysical properties (such as structural, functional, and spatial information, amino acid conservation, physicochemical variation, residue mobility, and thermodynamic stability) performed at Invitae indicates that this missense variant is not expected to disrupt LAMA2 protein function. This variant has not been reported in the literature in individuals affected with LAMA2-related conditions. This variant is not present in population databases (gnomAD no frequency). This sequence change replaces serine, which is neutral and polar, with asparagine, which is neutral and polar, at codon 2567 of the LAMA2 protein (p.Ser2567Asn).

NM_000426.4(LAMA2):c.7700G>A (p.Ser2567Asn)

Gene: LAMA2 (laminin subunit alpha 2; plus strand). Cytogenetic location: 6q22.33.
Variant type: single nucleotide variant.
Coding change: c.7700G>A on transcript NM_000426.4 (MANE Select); coding-DNA position 7700, G replaced by A.
Protein change: p.Ser2567Asn; replaces serine 2567 with asparagine.
Molecular consequence: missense variant.
Genome position (GRCh38, 1-based): chr6:129,481,390, G>A. VCF-style: chr6-129481390-G-A. GRCh37 (hg19) VCF-style: chr6-129802535-G-A.
Other names: c.7688G>A, p.Ser2563Asn (NM_001079823.2); short protein forms S2567N, S2563N.
Identifiers: ClinVar variation 2122558 (VCV002122558.4), dbSNP rs1554305929, ClinGen allele CA365628284.
Genomic context (GRCh38, chr6:129,481,390, plus strand): 5'-GAACAGAAATCAACCTGTCATTCAGCACCAAGAATGAGTCCGGCATCATTCTTTTGGGAA[G>A]TGGAGGGACACCAGCACCACCTAGGAGAAAACGAAGGCAGACTGGACAGGTACCCTCACA-3'
Protein context (NP_000417.3, residues 2557-2577): KNESGIILLG[Ser2567Asn]GGTPAPPRRK